The following is an entry in ClinVar:

ClinVar aggregate classification (germline): Uncertain significance (1 of 4 stars; one submission).

gnomAD v4.1: 23 of 1,614,078 alleles (0.0014%); highest among the groups gnomAD compares: South Asian, 0.02%; no homozygotes.

Submission:

CeGaT Center for Human Genetics Tuebingen
Classification: Uncertain significance. Last evaluated: 2026-05-01. Review status: criteria provided, single submitter. Criteria: CeGaT Center For Human Genetics Tuebingen Variant Classification Criteria Version 2. Collection method: clinical testing. Allele origin: germline. Affected: yes. Observed: 1 variant allele.
Comment: MDH2: PM2

NM_005918.4(MDH2):c.355A>G (p.Thr119Ala)

Gene: MDH2 (malate dehydrogenase 2; plus strand). Cytogenetic location: 7q11.23.
Variant type: single nucleotide variant.
Coding change: c.355A>G on transcript NM_005918.4 (MANE Select); coding-DNA position 355, A replaced by G.
Protein change: p.Thr119Ala; replaces threonine 119 with alanine.
Molecular consequence: missense variant.
Genome position (GRCh38, 1-based): chr7:76,058,004, A>G. VCF-style: chr7-76058004-A-G. GRCh37 (hg19) VCF-style: chr7-75687322-A-G.
Other names: c.355A>G, p.Thr119Ala (NM_001282403.2); c.34A>G, p.Thr12Ala (NM_001282404.2); short protein forms T119A, T12A.
Identifiers: ClinVar variation 4874168 (VCV004874168.2).